The following is an entry in ClinVar:

NM_006885.4(ZFHX3):c.6646A>T (p.Ile2216Phe)

Genes: ZFHX3 (zinc finger homeobox 3; minus strand), ZFHX3-AS1 (ZFHX3 antisense RNA 1; plus strand). Cytogenetic location: 16q22.2.
Variant type: single nucleotide variant.
Coding change: c.6646A>T on transcript NM_006885.4 (MANE Select); coding-DNA position 6646, A replaced by T.
Protein change: p.Ile2216Phe; replaces isoleucine 2216 with phenylalanine.
Molecular consequence: missense variant.
Genome position (GRCh38, 1-based): chr16:72,796,036, T>A on the plus strand (A>T on the coding strand, the complement: ZFHX3 is on the minus strand). VCF-style: chr16-72796036-T-A. GRCh37 (hg19) VCF-style: chr16-72829935-T-A.
Other names: c.3904A>T, p.Ile1302Phe (NM_001164766.2); c.6646A>T, p.Ile2216Phe (NM_001386735.1); short protein forms I1302F, I2216F.
Identifiers: ClinVar variation 3602524 (VCV003602524.1).
Genomic context (GRCh38, chr16:72,796,036, plus strand): 5'-GCTTTGGAGGTTCCGGCGAAGGGGGCCGGGAGTCAATCTTGAGCTCCTCCAGGCTGGTGA[T>A]AGGAGGATTACTGAAGTTGTAAGGGGAGTCCTTGTTACGCTGCCTCTCTTTGAAGAGAGT-3'
Protein context (NP_008816.3, residues 2206-2226): DSPYNFSNPP[Ile2216Phe]TSLEELKIDS

ClinVar aggregate classification (germline): Uncertain significance (1 of 4 stars; one submission).

Submission:

GeneDx
Classification: Uncertain significance. Last evaluated: 2024-08-01. Review status: criteria provided, single submitter. Criteria: GeneDx Variant Classification Process June 2021. Collection method: clinical testing. Allele origin: germline. Affected: yes.
Comment: Not observed at significant frequency in large population cohorts (gnomAD); In silico analysis supports that this missense variant has a deleterious effect on protein structure/function; Has not been previously published as pathogenic or benign to our knowledge